The following is an entry in ClinVar:

NM_006729.5(DIAPH2):c.399C>T (p.Thr133=)

Gene: DIAPH2 (diaphanous related formin 2; plus strand). Cytogenetic location: Xq21.33.
Variant type: single nucleotide variant.
Coding change: c.399C>T on transcript NM_006729.5 (MANE Select); coding-DNA position 399, C replaced by T.
Protein change: p.Thr133=; no amino-acid change (threonine 133 retained).
Molecular consequence: synonymous variant.
Genome position (GRCh38, 1-based): chrX:96,758,210, C>T. VCF-style: chrX-96758210-C-T. GRCh37 (hg19) VCF-style: chrX-96013209-C-T.
Other names: c.399C>T, p.Thr133= (NM_007309.4).
Identifiers: ClinVar variation 3056470 (VCV003056470.2), dbSNP rs138883597, ClinGen allele CA10467873.

ClinVar aggregate classification (germline): Likely benign (0 of 4 stars; one submission).

Conditions:
DIAPH2-related disorder. Also called: DIAPH2-related condition.

Allele frequency attached by ClinVar (database versions not stated): gnomAD exomes 0.00002; TOPMed 0.00004; gnomAD 0.00006; ExAC 0.00009; ESP Exome Variant Server 0.00019.
gnomAD v4.1: 35 of 1,203,448 alleles (0.0029%); highest among the groups gnomAD compares: Non-Finnish European, 0.0031%; no homozygotes.

Submission:

PreventionGenetics, part of Exact Sciences
Classification: Likely benign for DIAPH2-related condition. Last evaluated: 2019-03-05. Review status: no assertion criteria provided. Collection method: clinical testing. Allele origin: germline.
Comment: This variant is classified as likely benign based on ACMG/AMP sequence variant interpretation guidelines (Richards et al. 2015 PMID: 25741868, with internal and published modifications).